The following is an entry in ClinVar:

NM_018418.5(SPATA7):c.913G>A (p.Ala305Thr)

Gene: SPATA7 (spermatogenesis associated 7; plus strand). Cytogenetic location: 14q31.3.
Variant type: single nucleotide variant.
Coding change: c.913G>A on transcript NM_018418.5 (MANE Select); coding-DNA position 913, G replaced by A.
Protein change: p.Ala305Thr; replaces alanine 305 with threonine.
Molecular consequence: missense variant.
Genome position (GRCh38, 1-based): chr14:88,429,348, G>A. VCF-style: chr14-88429348-G-A. GRCh37 (hg19) VCF-style: chr14-88895692-G-A.
Other names: c.817G>A, p.Ala273Thr (NM_001040428.4); short protein forms A273T, A305T.
Identifiers: ClinVar variation 1052533 (VCV001052533.10), dbSNP rs1281376963, ClinGen allele CA390567252.

ClinVar aggregate classification (germline): Uncertain significance. Review status: criteria provided, multiple submitters, no conflicts (2 of 4 stars). 2 submissions from 2 submitters: Uncertain significance (2). Last evaluated 2023-05-23.

Conditions:
Leber congenital amaurosis 3 (LCA3). Also called: SPATA7-Related Retinitis Pigmentosa. Identifiers: MedGen C1858677, MONDO:0011415, OMIM 604232.

Allele frequency attached by ClinVar (database versions not stated): gnomAD 0.00001; gnomAD exomes 0.00001 and 0.00002; TOPMed 0.00001.
gnomAD v4.1: 11 of 1,570,368 alleles (0.0007%); highest among the groups gnomAD compares: Admixed American, 0.0033%; no homozygotes.

Submissions (2):

Labcorp Genetics (formerly Invitae), Labcorp
Classification: Uncertain significance for Leber congenital amaurosis 3. Last evaluated: 2023-05-23. Review status: criteria provided, single submitter. Criteria: Invitae Variant Classification Sherloc (09022015). Collection method: clinical testing. Allele origin: germline.
Comment: In summary, the available evidence is currently insufficient to determine the role of this variant in disease. Therefore, it has been classified as a Variant of Uncertain Significance. An algorithm developed to predict the effect of missense changes on protein structure and function (PolyPhen-2) suggests that this variant is likely to be tolerated. ClinVar contains an entry for this variant (Variation ID: 1052533). This variant has not been reported in the literature in individuals affected with SPATA7-related conditions. This variant is present in population databases (no rsID available, gnomAD 0.006%). This sequence change replaces alanine, which is neutral and non-polar, with threonine, which is neutral and polar, at codon 305 of the SPATA7 protein (p.Ala305Thr).

Blueprint Genetics
Classification: Uncertain significance. Last evaluated: 2020-02-28. Review status: criteria provided, single submitter. Criteria: ACMG Guidelines, 2015. Collection method: clinical testing. Allele origin: germline.